The following is an entry in ClinVar:

ClinVar aggregate classification (germline): Benign (0 of 4 stars; one submission).

Conditions:
MYRF-related disorder. Also called: MYRF-related disorders; MYRF-related condition.

Allele frequency attached by ClinVar (database versions not stated): 1000 Genomes Project 30x 0.00515; 1000 Genomes Project 0.00539; TOPMed 0.00972; ESP Exome Variant Server 0.01177; gnomAD 0.01268; ExAC 0.01304.
gnomAD v4.1: 23,366 of 1,604,406 alleles (1.5%); highest among the groups gnomAD compares: Non-Finnish European, 1.6%; 232 homozygotes.

Submission:

PreventionGenetics, part of Exact Sciences
Classification: Benign for MYRF-related condition. Last evaluated: 2019-03-05. Review status: no assertion criteria provided. Collection method: clinical testing. Allele origin: germline.
Comment: This variant is classified as benign based on ACMG/AMP sequence variant interpretation guidelines (Richards et al. 2015 PMID: 25741868, with internal and published modifications).

NM_001127392.3(MYRF):c.1904-10C>T

Gene: MYRF (myelin regulatory factor; plus strand). Cytogenetic location: 11q12.2.
Variant type: single nucleotide variant.
Coding change: c.1904-10C>T on transcript NM_001127392.3 (MANE Select); 10 bases into the intron before coding-DNA position 1904, C replaced by T.
Molecular consequence: intron variant.
Genome position (GRCh38, 1-based): chr11:61,778,370, C>T. VCF-style: chr11-61778370-C-T. GRCh37 (hg19) VCF-style: chr11-61545842-C-T.
Other names: c.1877-10C>T (NM_013279.4).
Identifiers: ClinVar variation 3060602 (VCV003060602.2), dbSNP rs75158668, ClinGen allele CA6038000.